The following is an entry in ClinVar:

ClinVar aggregate classification (germline): Uncertain significance. Review status: criteria provided, single submitter (1 of 4 stars). 3 submissions from 3 submitters: Uncertain significance (1). 2 of the submissions do not count toward it. Last evaluated 2022-12-05.

Allele frequency attached by ClinVar (database versions not stated): gnomAD 0.00007; gnomAD exomes 0.00009; ExAC 0.00011; ESP Exome Variant Server 0.00023.
gnomAD v4.1: 231 of 1,611,908 alleles (0.014%); highest among the groups gnomAD compares: Non-Finnish European, 0.018%; no homozygotes.

Submissions (3):

Labcorp Genetics (formerly Invitae), Labcorp
Classification: Uncertain significance. Last evaluated: 2022-12-05. Review status: criteria provided, single submitter. Criteria: Invitae Variant Classification Sherloc (09022015). Collection method: clinical testing. Allele origin: germline.
Comment: In summary, the available evidence is currently insufficient to determine the role of this variant in disease. Therefore, it has been classified as a Variant of Uncertain Significance. Advanced modeling of protein sequence and biophysical properties (such as structural, functional, and spatial information, amino acid conservation, physicochemical variation, residue mobility, and thermodynamic stability) performed at Invitae indicates that this missense variant is expected to disrupt SCARB1 protein function. ClinVar contains an entry for this variant (Variation ID: 1328069). This sequence change replaces glycine, which is neutral and non-polar, with arginine, which is basic and polar, at codon 239 of the SCARB1 protein (p.Gly239Arg). This missense change has been observed in individual(s) with altered levels of high-density lipoprotein cholesterol (PMID: 25245032, 26255038). This variant is present in population databases (rs201977189, gnomAD 0.01%).

Clinical Genetics, Academic Medical Center
Classification: Uncertain significance. Review status: no assertion criteria provided. Collection method: clinical testing. Allele origin: germline. Affected: yes. Study: VKGL Data-share Consensus. Not counted in ClinVar's aggregate classification.

Diagnostic Laboratory, Department of Genetics, University Medical Center Groningen
Classification: Uncertain significance. Review status: no assertion criteria provided. Collection method: clinical testing. Allele origin: germline. Affected: yes. Study: VKGL Data-share Consensus. Not counted in ClinVar's aggregate classification.

Literature cited by the submitters: PubMed 25245032 (cited by Labcorp Genetics (formerly Invitae), Labcorp); PubMed 26255038 (cited by Labcorp Genetics (formerly Invitae), Labcorp).

NM_005505.5(SCARB1):c.715G>A (p.Gly239Arg)

Gene: SCARB1 (scavenger receptor class B member 1; minus strand). Cytogenetic location: 12q24.31.
Variant type: single nucleotide variant.
Coding change: c.715G>A on transcript NM_005505.5 (MANE Select); coding-DNA position 715, G replaced by A.
Protein change: p.Gly239Arg; replaces glycine 239 with arginine.
Molecular consequence: missense variant. On other transcripts: non-coding transcript variant (9).
Genome position (GRCh38, 1-based): chr12:124,811,881, C>T on the plus strand (G>A on the coding strand, the complement: SCARB1 is on the minus strand). VCF-style: chr12-124811881-C-T. GRCh37 (hg19) VCF-style: chr12-125296427-C-T.
Other names: c.715G>A, p.Gly239Arg (NM_001082959.2, NM_001367981.1, NM_001367983.1 and 6 more transcripts); c.592G>A, p.Gly198Arg (NM_001367982.1); short protein forms G198R, G239R.
Identifiers: ClinVar variation 1328069 (VCV001328069.10), dbSNP rs201977189, ClinGen allele CA6870471.
Genomic context (GRCh38, chr12:124,811,881, plus strand): 5'-CACCCTCCCCTCTCCCTGGCGACAGGGGCCCTCGCCTCTCGCCCCTCACCTTGCTCAGCC[C>T]GTTCCACTTGTCCACGAGGTGGATCCTGCTGATGTTCTGGACCCCCGTGAACACCGTGAA-3'
Protein context (NP_005496.4, residues 229-249): SRIHLVDKWN[Gly239Arg]LSKVDFWHSD